The following is an entry in ClinVar:

ClinVar aggregate classification (germline): Benign. Review status: criteria provided, multiple submitters, no conflicts (2 of 4 stars). 2 submissions from 2 submitters: Benign (2). Last evaluated 2016-03-28.

Allele frequency attached by ClinVar (database versions not stated): gnomAD exomes 0.08411 and 0.11889; ExAC 0.08978; ESP Exome Variant Server 0.09308; gnomAD 0.11250 and 0.11365; TOPMed 0.11749; 1000 Genomes Project 30x 0.14913; 1000 Genomes Project 0.14916.
gnomAD v4.1: 134,808 of 1,544,522 alleles (8.7%); highest among the groups gnomAD compares: East Asian, 29%; 7,772 homozygotes.

Submissions (2):

Laboratory for Molecular Medicine, Mass General Brigham Personalized Medicine
Classification: Benign. Last evaluated: 2016-03-28. Review status: criteria provided, single submitter. Criteria: LMM Criteria. Collection method: clinical testing. Allele origin: germline.
Comment: Variant identified in a genome or exome case(s) and assessed due to predicted null impact of the variant or pathogenic assertions in the literature or databases. Disclaimer: This variant has not undergone full assessment. The following are preliminary notes: Frequency

Breakthrough Genomics
Classification: Benign. Review status: criteria provided, single submitter. Criteria: ACMG Guidelines, 2015. Collection method: not provided. Allele origin: germline. Inheritance: Unknown mechanism. Affected: yes.

NM_001367479.1(DNAH14):c.9250A>G (p.Asn3084Asp)

Gene: DNAH14 (dynein axonemal heavy chain 14; plus strand). Cytogenetic location: 1q42.12.
Variant type: single nucleotide variant.
Coding change: c.9250A>G on transcript NM_001367479.1 (MANE Select); coding-DNA position 9250, A replaced by G.
Protein change: p.Asn3084Asp; replaces asparagine 3084 with aspartic acid.
Molecular consequence: missense variant.
Genome position (GRCh38, 1-based): chr1:225,318,592, A>G. VCF-style: chr1-225318592-A-G. GRCh37 (hg19) VCF-style: chr1-225506294-A-G.
Other names: short protein forms N3084D.
Identifiers: ClinVar variation 402655 (VCV000402655.5), dbSNP rs10495237, ClinGen allele CA1416509.